The following is an entry in ClinVar:

NM_032575.3(GLIS2):c.1564G>A (p.Val522Met)

Gene: GLIS2 (GLIS family zinc finger 2; plus strand). Cytogenetic location: 16p13.3.
Variant type: single nucleotide variant.
Coding change: c.1564G>A on transcript NM_032575.3 (MANE Select); coding-DNA position 1564, G replaced by A.
Protein change: p.Val522Met; replaces valine 522 with methionine.
Molecular consequence: missense variant.
Genome position (GRCh38, 1-based): chr16:4,337,513, G>A. VCF-style: chr16-4337513-G-A. GRCh37 (hg19) VCF-style: chr16-4387514-G-A.
Other names: c.1564G>A, p.Val522Met (NM_001318918.2); short protein forms V522M.
Identifiers: ClinVar variation 1441797 (VCV001441797.7), dbSNP rs901123781, ClinGen allele CA277078673.
Genomic context (GRCh38, chr16:4,337,513, plus strand): 5'-GAGGCGTTGGCCCCTGGCTGGGTGGTCATCCCGCCGGGCTCGGTGCTGCTCAAACCGGCT[G>A]TGGTGAACTGAGCCCATCCTGCGGACAGTTGTGGTGCCCCCCCGGCAGCTCCCGGCACTG-3'
Protein context (NP_115964.2, residues 512-524): PPGSVLLKPA[Val522Met]VN

ClinVar aggregate classification (germline): Uncertain significance. Review status: criteria provided, multiple submitters, no conflicts (2 of 4 stars). 2 submissions from 2 submitters: Uncertain significance (2). Last evaluated 2024-03-19.

Conditions:
Nephronophthisis. Also called: Juvenile Nephronophthisis. Identifiers: Orphanet 655, MedGen C0687120, MONDO:0019005, HP:0000090.
Nephronophthisis 7 (NPHP7). Identifiers: Orphanet 655, MedGen C1969092, MONDO:0012680, OMIM 611498.

Allele frequency attached by ClinVar (database versions not stated): TOPMed below 0.00001; gnomAD exomes 0.00001 and 0.00002.
gnomAD v4.1: 6 of 1,559,272 alleles (0.00038%); highest among the groups gnomAD compares: Admixed American, 0.0074%; no homozygotes.

Submissions (2):

Fulgent Genetics
Classification: Uncertain significance for Nephronophthisis 7. Last evaluated: 2024-03-19. Review status: criteria provided, single submitter. Criteria: ACMG Guidelines, 2015. Collection method: clinical testing. Allele origin: germline.

Labcorp Genetics (formerly Invitae), Labcorp
Classification: Uncertain significance for Nephronophthisis. Last evaluated: 2022-07-05. Review status: criteria provided, single submitter. Criteria: Invitae Variant Classification Sherloc (09022015). Collection method: clinical testing. Allele origin: germline.
Comment: This sequence change replaces valine, which is neutral and non-polar, with methionine, which is neutral and non-polar, at codon 522 of the GLIS2 protein (p.Val522Met). The frequency data for this variant in the population databases is considered unreliable, as metrics indicate poor data quality at this position in the gnomAD database. In summary, the available evidence is currently insufficient to determine the role of this variant in disease. Therefore, it has been classified as a Variant of Uncertain Significance. Algorithms developed to predict the effect of missense changes on protein structure and function are either unavailable or do not agree on the potential impact of this missense change (SIFT: "Deleterious"; PolyPhen-2: "Not Available"; Align-GVGD: "Class C15"). ClinVar contains an entry for this variant (Variation ID: 1441797). This variant has not been reported in the literature in individuals affected with GLIS2-related conditions.